The following is an entry in ClinVar:

ClinVar aggregate classification (germline): Uncertain significance (1 of 4 stars; one submission).

Conditions:
Inborn genetic diseases. Identifiers: MedGen C0950123, MeSH D030342.

Submissions (2):

Ambry Genetics
Classification: Uncertain significance for Inborn genetic diseases. Last evaluated: 2024-10-26. Review status: criteria provided, single submitter. Criteria: Ambry Variant Classification Scheme 2023. Collection method: clinical testing. Allele origin: germline.
Comment: The p.E317Q variant (also known as c.949G>C), located in coding exon 8 of the ACD gene, results from a G to C substitution at nucleotide position 949. The glutamic acid at codon 317 is replaced by glutamine, an amino acid with highly similar properties. This amino acid position is conserved. In addition, this alteration is predicted to be tolerated by in silico analysis. Based on the available evidence, the clinical significance of this variant remains unclear.

Dr. Peter K. Rogan Lab, Western University
No classification provided (evidence only). Condition: Malignant tumor of urinary bladder. Review status: no classification provided. Collection method: in vitro. Allele origin: not applicable. Functional consequence: retained intron. Not counted in ClinVar's aggregate classification.

NM_001082486.2(ACD):c.691G>C (p.Glu231Gln)

Gene: ACD (ACD shelterin complex subunit and telomerase recruitment factor; minus strand). Cytogenetic location: 16q22.1.
Variant type: single nucleotide variant.
Coding change: c.691G>C on transcript NM_001082486.2 (MANE Select); coding-DNA position 691, G replaced by C.
Protein change: p.Glu231Gln; replaces glutamic acid 231 with glutamine.
Molecular consequence: missense variant.
Genome position (GRCh38, 1-based): chr16:67,658,771, C>G on the plus strand (G>C on the coding strand, the complement: ACD is on the minus strand). VCF-style: chr16-67658771-C-G. GRCh37 (hg19) VCF-style: chr16-67692674-C-G.
Other names: NC_000016.9:g.67692674C>G; c.691G>C, p.Glu231Gln (NM_001410884.1); c.682G>C, p.Glu228Gln (NM_022914.3); short protein forms E231Q, E228Q.
Identifiers: ClinVar variation 3479937 (VCV003479937.2).
Genomic context (GRCh38, chr16:67,658,771, plus strand): 5'-CCCCCTTACCCTGTGTCCTCTGACAGGGGCCTAGAGAGCTCAGAATTAGCTGGTCATTCT[C>G]AGAGATGCACAGCATTGAGCTGGGGACAGTGTACACAGCTTCTCCCTGTGGGACATGAAC-3'
Protein context (NP_001075955.2, residues 221-241): TVPSSMLCIS[Glu231Gln]NDQLILSSLG